The following is an entry in ClinVar:

ClinVar aggregate classification (germline): Likely benign. Review status: criteria provided, multiple submitters, no conflicts (2 of 4 stars). 5 submissions from 5 submitters: Likely benign (4). 1 of the submissions does not count toward it. Last evaluated 2026-01-17.

Conditions:
PRKG1-related disorder. Also called: PRKG1-related condition.
Aortic aneurysm, familial thoracic 8 (AAT8). Identifiers: MedGen C3809513, MONDO:0014187, OMIM 615436.
Familial thoracic aortic aneurysm and aortic dissection (TAAD). Also called: Thoracic aortic aneurysms and dissections. Identifiers: Orphanet 91387, MedGen C4707243, MONDO:0019625.

Allele frequency attached by ClinVar (database versions not stated): gnomAD 0.00001 and 0.00003; TOPMed 0.00002; gnomAD exomes 0.00014 and 0.00024; ExAC 0.00027.
gnomAD v4.1: 196 of 1,574,176 alleles (0.012%); highest among the groups gnomAD compares: South Asian, 0.22%; 1 homozygote.

Submissions (5):

Labcorp Genetics (formerly Invitae), Labcorp
Classification: Likely benign for Aortic aneurysm, familial thoracic 8. Last evaluated: 2026-01-17. Review status: criteria provided, single submitter. Criteria: Invitae Variant Classification Sherloc (09022015). Collection method: clinical testing. Allele origin: germline.

Ambry Genetics
Classification: Likely benign for Familial thoracic aortic aneurysm and aortic dissection. Last evaluated: 2024-02-13. Review status: criteria provided, single submitter. Criteria: Ambry Variant Classification Scheme 2023. Collection method: clinical testing. Allele origin: germline.

Blueprint Genetics
Classification: Likely benign. Last evaluated: 2023-08-08. Review status: criteria provided, single submitter. Criteria: ACMG Guidelines, 2015. Collection method: clinical testing. Allele origin: germline.

GeneDx
Classification: Likely benign. Last evaluated: 2019-05-28. Review status: criteria provided, single submitter. Criteria: GeneDx Variant Classification Process June 2021. Collection method: clinical testing. Allele origin: germline. Affected: yes.

PreventionGenetics, part of Exact Sciences
Classification: Likely benign for PRKG1-related condition. Last evaluated: 2019-04-08. Review status: no assertion criteria provided. Collection method: clinical testing. Allele origin: germline. Not counted in ClinVar's aggregate classification.
Comment: This variant is classified as likely benign based on ACMG/AMP sequence variant interpretation guidelines (Richards et al. 2015 PMID: 25741868, with internal and published modifications).

NM_006258.4(PRKG1):c.1710C>T (p.Ser570=)

Gene: PRKG1 (protein kinase cGMP-dependent 1; plus strand). Cytogenetic location: 10q21.1.
Variant type: single nucleotide variant.
Coding change: c.1710C>T on transcript NM_006258.4 (MANE Select); coding-DNA position 1710, C replaced by T.
Protein change: p.Ser570=; no amino-acid change (serine 570 retained).
Molecular consequence: synonymous variant.
Genome position (GRCh38, 1-based): chr10:52,288,726, C>T. VCF-style: chr10-52288726-C-T. GRCh37 (hg19) VCF-style: chr10-54048486-C-T.
Other names: c.1665C>T, p.Ser555= (LRG_1135t2, NM_001098512.3); c.1710C>T, p.Ser570= (LRG_1135t1).
Identifiers: ClinVar variation 510504 (VCV000510504.17), dbSNP rs200610874, ClinGen allele CA5503926.
Genomic context (GRCh38, chr10:52,288,726, plus strand): 5'-CAAGTGTTCTCATGTAGAAAATAAAAGTAATATCTCTTGTCGTGTCTCTCATTCTTGCAG[C>T]CCACCTTTCTCAGGCCCAGATCCTATGAAAACCTATAACATCATATTGAGGGGGATTGAC-3'
Protein context (NP_006249.1, residues 560-580): GILMYELLTG[Ser570=]PPFSGPDPMK